The following is an entry in ClinVar:

NM_001070.5(TUBG1):c.1158G>C (p.Ser386=)

Gene: TUBG1 (tubulin gamma 1; plus strand). Cytogenetic location: 17q21.2.
Variant type: single nucleotide variant.
Coding change: c.1158G>C on transcript NM_001070.5 (MANE Select); coding-DNA position 1158, G replaced by C.
Protein change: p.Ser386=; no amino-acid change (serine 386 retained).
Molecular consequence: synonymous variant.
Genome position (GRCh38, 1-based): chr17:42,614,657, G>C. VCF-style: chr17-42614657-G-C. GRCh37 (hg19) VCF-style: chr17-40766675-G-C.
Identifiers: ClinVar variation 4724376 (VCV004724376.1).

ClinVar aggregate classification (germline): Uncertain significance (1 of 4 stars; one submission).

Submission:

Labcorp Genetics (formerly Invitae), Labcorp
Classification: Uncertain significance. Last evaluated: 2025-07-30. Review status: criteria provided, single submitter. Criteria: Invitae Variant Classification Sherloc (09022015). Collection method: clinical testing. Allele origin: germline.
Comment: This sequence change affects codon 386 of the TUBG1 mRNA. It is a 'silent' change, meaning that it does not change the encoded amino acid sequence of the TUBG1 protein. This variant also falls at the last nucleotide of exon 10, which is part of the consensus splice site for this exon. This variant is not present in population databases (gnomAD no frequency). This variant has not been reported in the literature in individuals affected with TUBG1-related conditions. Variants that disrupt the consensus splice site are a relatively common cause of aberrant splicing (PMID: 17576681, 9536098). Algorithms developed to predict the effect of sequence changes on RNA splicing suggest that this variant is not likely to affect RNA splicing. In summary, the available evidence is currently insufficient to determine the role of this variant in disease. Therefore, it has been classified as a Variant of Uncertain Significance.

Literature cited by the submitters: PubMed 17576681; PubMed 9536098.